The following is an entry in ClinVar:

ClinVar aggregate classification (germline): Uncertain significance (1 of 4 stars; one submission).

Submission:

Women's Health and Genetics/Laboratory Corporation of America, LabCorp
Classification: Uncertain significance. Last evaluated: 2026-01-29. Review status: criteria provided, single submitter. Criteria: LabCorp Variant Classification Summary - May 2015. Collection method: clinical testing. Allele origin: germline.
Comment: Variant summary: IRF2BPL c.1036_1038delGAG (p.Glu346del) results in an in-frame deletion that is predicted to remove one amino acid from the IRF-2BP1/2-like, middle domain (IPR058682) of the encoded protein. The variant allele was found at a frequency of 8.1e-06 in 246652 control chromosomes (gnomAD). The available data on variant occurrences in the general population are insufficient to allow any conclusion about variant significance. To our knowledge, no occurrence of c.1036_1038delGAG in individuals affected with IRF2BPL-related conditions and no experimental evidence demonstrating its impact on protein function have been reported. No submitters have cited clinical-significance assessments for this variant to ClinVar. Based on the evidence outlined above, the variant was classified as uncertain significance.

NM_024496.4(IRF2BPL):c.1036_1038del (p.Glu346del)

Gene: IRF2BPL (interferon regulatory factor 2 binding protein like; minus strand). Cytogenetic location: 14q24.3.
Variant type: Deletion.
Coding change: c.1036_1038del on transcript NM_024496.4 (MANE Select); coding-DNA positions 1036 to 1038, 3 bases deleted (GAG; older notation c.1036_1038delGAG).
Protein change: p.Glu346del; deletes glutamic acid 346.
Molecular consequence: inframe deletion.
Genome position (GRCh38, 1-based): chr14:77,026,755-77,026,757, CTC deleted on the plus strand (GAG on the coding strand, the reverse complement: IRF2BPL is on the minus strand); deleting any 3 consecutive bases within chr14:77,026,755-77,026,759 gives the same sequence; the c. name uses the placement nearest the transcript's 3' end. VCF-style (leftmost placement, unchanged base first): chr14-77026754-TCTC-T. GRCh37 (hg19) VCF-style: chr14-77493097-TCTC-T.
Other names: c.1036_1038delGAG (NM_024496.4); short protein forms E346del.
Identifiers: ClinVar variation 4689021 (VCV004689021.1).